The following is an entry in ClinVar:

NM_007294.4(BRCA1):c.2035A>T (p.Lys679Ter)

Gene: BRCA1 (BRCA1 DNA repair associated; minus strand). Cytogenetic location: 17q21.31.
Variant type: single nucleotide variant.
Coding change: c.2035A>T on transcript NM_007294.4 (MANE Select); coding-DNA position 2035, A replaced by T.
Protein change: p.Lys679Ter; replaces lysine 679 with a stop codon.
Molecular consequence: nonsense. On other transcripts: intron variant (137).
Genome position (GRCh38, 1-based): chr17:43,093,496, T>A on the plus strand (A>T on the coding strand, the complement: BRCA1 is on the minus strand). VCF-style: chr17-43093496-T-A. GRCh37 (hg19) VCF-style: chr17-41245513-T-A.
Other names: p.K679*:AAG>TAG; 2154A>T; c.1822A>T, p.Lys608Ter (NM_001407571.1, NM_001407853.1, NM_001407894.1 and 9 more transcripts); c.2035A>T, p.Lys679Ter (NM_001407581.1, NM_001407582.1, NM_001407583.1 and 30 more transcripts); c.2032A>T, p.Lys678Ter (NM_001407587.1, NM_001407590.1, NM_001407591.1 and 22 more transcripts); c.2026A>T, p.Lys676Ter (NM_001407646.1, NM_001407647.1); c.1912A>T, p.Lys638Ter (NM_001407648.1, NM_001407664.1, NM_001407665.1 and 19 more transcripts); c.1909A>T, p.Lys637Ter (NM_001407649.1, NM_001407670.1, NM_001407671.1 and 11 more transcripts); and 42 more; short protein forms K679*, K632*, K511*, K551*, K609*, K611*, K612*, K631*.
Identifiers: ClinVar variation 54442 (VCV000054442.55), dbSNP rs80357082, ClinGen allele CA001353.

ClinVar aggregate classification (germline): Pathogenic. Review status: reviewed by expert panel (3 of 4 stars). 26 submissions from 26 submitters: Pathogenic (1). 25 of the submissions do not count toward it. Last evaluated 2016-09-08.

Conditions:
BRCA1-related disorder. Also called: BRCA1-related condition.
BRCA1-related cancer predisposition. Identifiers: MedGen CN377757, MONDO:0700268.
Hereditary cancer-predisposing syndrome. Also called: Tumor predisposition; Neoplastic Syndromes, Hereditary; Hereditary Cancer Syndrome; Hereditary neoplastic syndrome. Identifiers: Orphanet 140162, MedGen C0027672, MeSH D009386, MONDO:0015356.
Breast and/or ovarian cancer. Identifiers: MedGen CN221562.
Hereditary breast ovarian cancer syndrome. Also called: Hereditary breast and ovarian cancer syndrome (HBOC); Hereditary breast and ovarian cancer syndrome; Hereditary breast and ovarian cancer; Hereditary breast and/or ovarian cancer syndrome; Breast and ovarian cancer; BRCA1- and BRCA2-Associated Hereditary Breast and Ovarian Cancer. Identifiers: Orphanet 145, MedGen C0677776, MeSH D061325, MONDO:0003582. Disease mechanism: loss of function.
Breast-ovarian cancer, familial, susceptibility to, 1 (BROVCA1). Also called: OVARIAN CANCER, SUSCEPTIBILITY TO; BRCA1 Hereditary Breast and Ovarian Cancer. Identifiers: Orphanet 145, MedGen C2676676, MONDO:0011450, OMIM 604370. Disease mechanism: loss of function.

gnomAD v4.1: 4 of 1,614,144 alleles (0.00025%); highest among the groups gnomAD compares: Non-Finnish European, 0.00034%; no homozygotes.

Submissions 1 to 9 of 26:

Evidence-based Network for the Interpretation of Germline Mutant Alleles (ENIGMA)
Classification: Pathogenic for Breast-ovarian cancer, familial, susceptibility to, 1. Last evaluated: 2016-09-08. Review status: reviewed by expert panel. Criteria: ENIGMA BRCA1/2 Classification Criteria (2015). Collection method: curation. Allele origin: germline.
Comment: Variant allele predicted to encode a truncated non-functional protein.

PreventionGenetics, part of Exact Sciences
Classification: Pathogenic for BRCA1-related condition. Last evaluated: 2026-07-14. Review status: criteria provided, single submitter. Criteria: ACMG Guidelines, 2015. Collection method: clinical testing. Allele origin: germline. Not counted in ClinVar's aggregate classification.
Comment: The BRCA1 c.2035A>T variant is predicted to result in premature protein termination (p.Lys679*). This variant (also described as c.2154A>T) has been reported in individuals with hereditary breast and ovarian cancer (Shattuck-Eidens et al. 1997. PubMed ID: 9333265; Walsh et al. 2011. PubMed ID: 22006311; Table S1, Cunningham et al. 2014. PubMed ID: 24504028; Lerner-Ellis et al. 2020. PubMed ID: 32885271). This variant has not been reported in the gnomAD database and is interpreted as pathogenic in ClinVar (Variation ID: 54442). Nonsense variants in BRCA1 are expected to be pathogenic. This variant is interpreted as pathogenic.

Labcorp Genetics (formerly Invitae), Labcorp
Classification: Pathogenic for Hereditary breast ovarian cancer syndrome. Last evaluated: 2026-01-19. Review status: criteria provided, single submitter. Criteria: Invitae Variant Classification Sherloc (09022015). Collection method: clinical testing. Allele origin: germline. Not counted in ClinVar's aggregate classification.
Comment: This sequence change creates a premature translational stop signal (p.Lys679*) in the BRCA1 gene. It is expected to result in an absent or disrupted protein product. Loss-of-function variants in BRCA1 are known to be pathogenic (PMID: 20104584). This variant is not present in population databases (gnomAD no frequency). This premature translational stop signal has been observed in individual(s) with breast and/or ovarian cancer and fallopian tube cancer (PMID: 9333265, 11810084, 21913181, 22006311, 24504028, 26681312). This variant is also known as 2154A>T. ClinVar contains an entry for this variant (Variation ID: 54442). For these reasons, this variant has been classified as Pathogenic.

Helix
Classification: Pathogenic for Breast-ovarian cancer, familial, susceptibility to, 1. Last evaluated: 2025-08-25. Review status: criteria provided, single submitter. Criteria: ACMG Guidelines, 2015. Collection method: clinical testing. Allele origin: germline. Inheritance: Autosomal dominant inheritance. Not counted in ClinVar's aggregate classification.
Comment: This variant (NM_007294.4:c.2035A>T p.Lys679Ter) results in the creation of a premature stop codon in the BRCA1 gene. It is predicted to result in nonsense-mediated mRNA decay or in the production of a truncated protein, leading to loss-of-function (LOF). LOF variants in this gene are known to be deleterious (PMID: 20104584, 20301575). This variant is also known as 2154A>T. It is present in the gnomAD population database (v4.1) at the highest allele frequency in the European (non-Finnish) subpopulation among non-founder subpopulations (4/1180018 alleles, 0.0003390%). This variant has been observed in individual(s) with BRCA1-related conditions (PMID: 9333265, 11810084, 20104584, 21324516, 21913181, 22006311, 24504028, 33471991). This variant is present in ClinVar (Variation ID: 54442). In conclusion, this variant has been classified as Pathogenic.

Ambry Genetics
Classification: Pathogenic for Hereditary cancer-predisposing syndrome. Last evaluated: 2025-08-12. Review status: criteria provided, single submitter. Criteria: Ambry Variant Classification Scheme 2023. Collection method: clinical testing. Allele origin: germline. Not counted in ClinVar's aggregate classification.
Comment: The c.2035A>T (p.K679*) alteration, located in exon 10 (coding exon 9) of the BRCA1 gene, consists of a A to T substitution at nucleotide position 2035. This changes the amino acid from a lysine (K) to a stop codon at amino acid position 679. This alteration is expected to result in loss of function by premature protein truncation or nonsense-mediated mRNA decay. This variant was not reported in population-based cohorts in the Genome Aggregation Database (gnomAD). This variant has been reported in multiple familial breast and ovarian cancer kindreds to date (Shattuck-Eidens, 1997; H&eacute;bert-Blouin, 2002; Kauff, 2008; Borg, 2010; Walsh, 2011; Lee, 2011; Cunningham, 2014; Song, 2014). Of note, this alteration is also designated as 2154A>T in published literature. Based on the available evidence, this alteration is classified as pathogenic.

Mayo Clinic Laboratories, Mayo Clinic
Classification: Pathogenic. Last evaluated: 2025-08-05. Review status: criteria provided, single submitter. Criteria: ACMG Guidelines, 2015. Collection method: clinical testing. Allele origin: germline. Observed: 1 variant allele. Not counted in ClinVar's aggregate classification.
Comment: PM2_supporting, PM5_strong, PVS1

Quest Diagnostics Nichols Institute San Juan Capistrano
Classification: Pathogenic. Last evaluated: 2024-10-17. Review status: criteria provided, single submitter. Criteria: Quest Diagnostics criteria. Collection method: clinical testing. Allele origin: unknown. Not counted in ClinVar's aggregate classification.
Comment: The BRCA1 c.2035A>T (p.Lys679*) variant causes the premature termination of BRCA1 protein synthesis. This variant has been reported in the published literature in multiple individuals and families with breast, ovarian, endometrial and fallopian tube cancers (PMIDs: 36744932 (2023), 29446198 (2018), 26681312 (2015), 24504028 (2014), 21913181 (2012), 22006311 (2011), 21913181 (2011), 21324516 (2011), 20104584 (2010), 11810084 (2002), 9333265 (1997)). In a large scale breast cancer association study, this variant has been observed in one breast cancer case and no reportedly healthy individuals (PMID: 33471991 (2021), see also LOVD). This variant has not been reported in large, multi-ethnic general populations (Genome Aggregation Database). Based on the available information, this variant is classified as pathogenic.

Revvity Omics, Revvity
Classification: Pathogenic. Last evaluated: 2024-09-09. Review status: criteria provided, single submitter. Criteria: ACMG Guidelines, 2015. Collection method: clinical testing. Allele origin: germline. Not counted in ClinVar's aggregate classification.

ARUP Laboratories, Molecular Genetics and Genomics, ARUP Laboratories
Classification: Pathogenic. Last evaluated: 2024-07-22. Review status: criteria provided, single submitter. Criteria: ARUP Molecular Germline Variant Investigation Process 2024. Collection method: clinical testing. Allele origin: germline. Not counted in ClinVar's aggregate classification.
Comment: The BRCA1 c.2035A>T; p.Lys679Ter variant (rs80357082) has been reported in multiple individuals with breast or ovarian cancer (Cunningham 2014, Hebert-Blouin 2002, Shattuck-Eidens 1997, Walsh 2011). This variant is reported as pathogenic by multiple sources in ClinVar (Variation ID: 54442), and is absent from the Genome Aggregation Database (v2.1.1), indicating it is not a common polymorphism. This variant induces an early termination codon and is predicted to result in a truncated protein or mRNA subject to nonsense-mediated decay. Based on available information, the p.Lys679Ter variant is classified as pathogenic. References: Cunningham JM et al. Clinical characteristics of ovarian cancer classified by BRCA1, BRCA2, and RAD51C status. Sci Rep. 2014 Feb 7;4:4026. PMID: 24504028. Hebert-Blouin MN et al. Fallopian tube cancer in a BRCA1 mutation carrier: rapid development and failure of screening. Am J Obstet Gynecol. 2002 Jan;186(1):53-4. PMID: 11810084. Shattuck-Eidens D et al. BRCA1 sequence analysis in women at high risk for susceptibility mutations. Risk factor analysis and implications for genetic testing. JAMA. 1997; 278(15):1242-50. PMID: 9333265. Walsh T et al. Mutations in 12 genes for inherited ovarian, fallopian tube, and peritoneal carcinoma identified by massively parallel sequencing. Proc Natl Acad Sci U S A. 2011; 108(44):18032-7. PMID: 22006311.